The following is an entry in ClinVar:

NM_001048174.2(MUTYH):c.472_473delinsTG (p.Leu158Trp)

Gene: MUTYH (mutY DNA glycosylase; minus strand). Cytogenetic location: 1p34.1.
Variant type: Indel.
Coding change: c.472_473delinsTG on transcript NM_001048174.2 (MANE Select); coding-DNA positions 472 to 473, CT replaced by TG.
Protein change: p.Leu158Trp; replaces leucine 158 with tryptophan.
Molecular consequence: missense variant. On other transcripts: non-coding transcript variant (2).
Genome position (GRCh38, 1-based): chr1:45,332,782-45,332,783, AG replaced by CA on the plus strand (CT replaced by TG on the coding strand, the reverse complement: MUTYH is on the minus strand). VCF-style: chr1-45332782-AG-CA. GRCh37 (hg19) VCF-style: chr1-45798454-AG-CA.
Other names: c.472_473delinsTG, p.Leu158Trp (NM_001048171.2, NM_001048173.2, NM_001293195.2); c.475_476delinsTG, p.Leu159Trp (NM_001048172.2); c.556_557delinsTG, p.Leu186Trp (NM_001128425.2); c.517_518delinsTG, p.Leu173Trp (NM_001293190.2); c.505_506delinsTG, p.Leu169Trp (NM_001293191.2); c.196_197delinsTG, p.Leu66Trp (NM_001293192.2, NM_001293196.2); c.127_128delinsTG, p.Leu43Trp (NM_001350650.2, NM_001350651.2); c.547_548delinsTG, p.Leu183Trp (NM_012222.3); and 1 more; short protein forms L158W, L183W, L43W, L169W, L159W, L66W, L173W, L186W.
Identifiers: ClinVar variation 406848 (VCV000406848.15), dbSNP rs1060501337, ClinGen allele CA16610196.
Genomic context (GRCh38, chr1:45,332,782, plus strand): 5'-CCCAAGACTCCTGGGTTCCTACCCTCCTGCCATCCCCTTACCTTCCGAGCTCCCTCCTGC[AG>CA]CCGCCGGCCACGAGAATAGTAGCCCAGGCCAGCCCAGAGTTGATTCACCTCCTGTGGGTA-3'
Protein context (NP_001041639.1, residues 148-168): GLGYYSRGRR[Leu158Trp]QEGARKVVEE

ClinVar aggregate classification (germline): Uncertain significance. Review status: criteria provided, multiple submitters, no conflicts (2 of 4 stars). 4 submissions from 4 submitters: Uncertain significance (4). Last evaluated 2026-01-11.

Conditions:
Hereditary cancer-predisposing syndrome. Also called: Tumor predisposition; Hereditary Cancer Syndrome; Hereditary neoplastic syndrome; Neoplastic Syndromes, Hereditary. Identifiers: Orphanet 140162, MedGen C0027672, MeSH D009386, MONDO:0015356.
Familial adenomatous polyposis 2. Also called: COLORECTAL ADENOMATOUS POLYPOSIS, AUTOSOMAL RECESSIVE; MUTYH Polyposis; MUTYH-associated polyposis; MUTYH-related attenuated familial adenomatous polyposis; Adenomas, multiple colorectal; ADENOMAS, MULTIPLE COLORECTAL, AUTOSOMAL RECESSIVE. Identifiers: Orphanet 220460, Orphanet 247798, MedGen C3272841, MONDO:0012041, OMIM 608456.

Submissions (4):

Labcorp Genetics (formerly Invitae), Labcorp
Classification: Uncertain significance for Familial adenomatous polyposis 2. Last evaluated: 2026-01-11. Review status: criteria provided, single submitter. Criteria: Invitae Variant Classification Sherloc (09022015). Collection method: clinical testing. Allele origin: germline.
Comment: This sequence change replaces leucine, which is neutral and non-polar, with tryptophan, which is neutral and slightly polar, at codon 186 of the MUTYH protein (p.Leu186Trp). Information on the frequency of this variant in the gnomAD database is not available, as this variant may be reported differently in the database. This missense change has been observed in individual(s) with adenomatous polyposis (PMID: 24470512). In at least one individual the data is consistent with being in trans (on the opposite chromosome) from a pathogenic variant. ClinVar contains an entry for this variant (Variation ID: 406848). An algorithm developed to predict the effect of missense changes on protein structure and function (PolyPhen-2) suggests that this variant is likely to be disruptive. In summary, the available evidence is currently insufficient to determine the role of this variant in disease. Therefore, it has been classified as a Variant of Uncertain Significance.

Ambry Genetics
Classification: Uncertain significance for Hereditary cancer-predisposing syndrome. Last evaluated: 2023-04-20. Review status: criteria provided, single submitter. Criteria: Ambry Variant Classification Scheme 2023. Collection method: clinical testing. Allele origin: germline.
Comment: The c.556_557delCTinsTG variant (also known as p.L186W), located in coding exon 7 of the MUTYH gene, results from an in-frame deletion of CT and insertion of TG at nucleotide positions 556 to 557. This results in the substitution of the leucine residue for a tryptophan residue at codon 186, an amino acid with similar properties. This alteration has been observed in conjunction with a pathogenic variant in MUTYH, p.G396D, in a patient affected with adenomatous polyposis (Guarinos C et al. Clin Cancer Res, 2014 Mar;20:1158-68). This amino acid position is highly conserved in available vertebrate species. In addition, the in silico prediction for this alteration is inconclusive (Choi Y et al. PLoS ONE. 2012; 7(10):e46688). Since supporting evidence is limited at this time, the clinical significance of this alteration remains unclear.

Department of Pathology and Laboratory Medicine, Sinai Health System
Classification: Uncertain significance for Familial adenomatous polyposis 2. Last evaluated: 2021-03-11. Review status: criteria provided, single submitter. Criteria: ACMG Guidelines, 2015. Collection method: clinical testing. Allele origin: germline. Affected: yes.

Quest Diagnostics Nichols Institute San Juan Capistrano
Classification: Uncertain significance. Last evaluated: 2016-12-23. Review status: criteria provided, single submitter. Criteria: Quest Diagnostics criteria. Collection method: clinical testing. Allele origin: germline.

Literature cited by the submitters: PubMed 24470512 (cited by 4 submitters).